The following is an entry in ClinVar:

ClinVar aggregate classification (germline): Uncertain significance (1 of 4 stars; one submission).

Conditions:
Nemaline myopathy 2 (NEM2). Also called: Nemaline myopathy 2, autosomal recessive. Identifiers: MedGen C1850569, MONDO:0009725, OMIM 256030.

Submission:

Labcorp Genetics (formerly Invitae), Labcorp
Classification: Uncertain significance for Nemaline myopathy 2. Last evaluated: 2019-02-21. Review status: criteria provided, single submitter. Criteria: Invitae Variant Classification Sherloc (09022015). Collection method: clinical testing. Allele origin: germline.
Comment: In summary, the available evidence is currently insufficient to determine the role of this variant in disease. Therefore, it has been classified as a Variant of Uncertain Significance. Algorithms developed to predict the effect of missense changes on protein structure and function are either unavailable or do not agree on the potential impact of this missense change (SIFT: "Deleterious"; PolyPhen-2: "Not Available"; Align-GVGD: "Class C0"). This variant has not been reported in the literature in individuals with NEB-related conditions. This variant is not present in population databases (ExAC no frequency). This sequence change replaces aspartic acid with glycine at codon 5728 of the NEB protein (p.Asp5728Gly). The aspartic acid residue is moderately conserved and there is a moderate physicochemical difference between aspartic acid and glycine.

NM_001164508.2(NEB):c.17183A>G (p.Asp5728Gly)

Gene: NEB (nebulin; minus strand). Cytogenetic location: 2q23.3.
Variant type: single nucleotide variant.
Coding change: c.17183A>G on transcript NM_001164508.2 (MANE Select); coding-DNA position 17183, A replaced by G.
Protein change: p.Asp5728Gly; replaces aspartic acid 5728 with glycine.
Molecular consequence: missense variant.
Genome position (GRCh38, 1-based): chr2:151,570,328, T>C on the plus strand (A>G on the coding strand, the complement: NEB is on the minus strand). VCF-style: chr2-151570328-T-C. GRCh37 (hg19) VCF-style: chr2-152426842-T-C.
Other names: c.17183A>G, p.Asp5728Gly (NM_001164507.2, NM_001271208.2); c.12080A>G, p.Asp4027Gly (NM_004543.5); short protein forms D4027G, D5728G.
Identifiers: ClinVar variation 846876 (VCV000846876.9), dbSNP rs756098317, ClinGen allele CA348808302.